The following is an entry in ClinVar:

ClinVar aggregate classification (germline): Uncertain significance (1 of 4 stars; one submission).

Conditions:
Hereditary cancer-predisposing syndrome. Also called: Neoplastic Syndromes, Hereditary; Tumor predisposition; Hereditary neoplastic syndrome; Hereditary Cancer Syndrome. Identifiers: Orphanet 140162, MedGen C0027672, MeSH D009386, MONDO:0015356.

Allele frequency attached by ClinVar (database versions not stated): gnomAD exomes below 0.00001.
gnomAD v4.1: 1 of 1,614,140 alleles (0.000062%); highest among the groups gnomAD compares: Non-Finnish European, 0.000085%; no homozygotes.

Submission:

Ambry Genetics
Classification: Uncertain significance for Hereditary cancer-predisposing syndrome. Last evaluated: 2023-11-16. Review status: criteria provided, single submitter. Criteria: Ambry Variant Classification Scheme 2023. Collection method: clinical testing. Allele origin: germline.
Comment: The p.S617C variant (also known as c.1849A>T), located in coding exon 5 of the MET gene, results from an A to T substitution at nucleotide position 1849. The serine at codon 617 is replaced by cysteine, an amino acid with dissimilar properties. This amino acid position is highly conserved in available vertebrate species. In addition, this alteration is predicted to be deleterious by in silico analysis. Since supporting evidence is limited at this time, the clinical significance of this alteration remains unclear.

NM_000245.4(MET):c.1849A>T (p.Ser617Cys)

Gene: MET (MET proto-oncogene, receptor tyrosine kinase; plus strand). Cytogenetic location: 7q31.2.
Variant type: single nucleotide variant.
Coding change: c.1849A>T on transcript NM_000245.4 (MANE Select); coding-DNA position 1849, A replaced by T.
Protein change: p.Ser617Cys; replaces serine 617 with cysteine.
Molecular consequence: missense variant.
Genome position (GRCh38, 1-based): chr7:116,755,502, A>T. VCF-style: chr7-116755502-A-T. GRCh37 (hg19) VCF-style: chr7-116395556-A-T.
Other names: c.1849A>T, p.Ser617Cys (NM_001127500.3, NM_001324401.3); c.559A>T, p.Ser187Cys (NM_001324402.2); short protein forms S187C, S617C.
Identifiers: ClinVar variation 3232918 (VCV003232918.1), dbSNP rs2116910973, ClinGen allele CA368978320.